The following is an entry in ClinVar:

ClinVar aggregate classification (germline): Pathogenic (1 of 4 stars; one submission).

Submission:

Illumina Laboratory Services, Illumina
Classification: Pathogenic. Last evaluated: 2023-03-21. Review status: criteria provided, single submitter. Criteria: ICSL CNVClassificationCriteria Aug2020. Collection method: clinical testing. Allele origin: unknown.
Comment: This CNV is a 2.3 Mb deletion of 20p13, on chromosome 20, (seq[GRCh37]del(20)(p13);NC_000020.10:g.61001_2316914del) which occurred de novo. This CNV constitutes a loss encompassing 37 protein coding genes. A total of 11 cases with deletions of 20p13, ranging from 900 kb-2.1 Mb in size and occurring in a de novo state have been reported in the literature (PMID: 19344873; PMID: 20358616; PMID: 22274139). The phenotypic features among these individuals are variable due to the different size of the deletions and include global developmental delay, intellectual disability, short stature, amblyopia, attention deficit hyperactivity disorder, delayed speech and language development, growth abnormality, motor delay, specific learning disability, visual impairment, 2-3 toe syndactyly, abnormality of the skin, adducted thumb, intrauterine growth retardation, postnatal growth retardation, delayed tooth eruption and non-specific dysmorphic features. Of note, this CNV, as well as other reported 20p13 deletions, involve the complete deletion of the CSNK2A1 gene in which intragenic loss of function variants (both missense and truncating variants) are associated with autosomal dominant Okur-Chung neurodevelopmental syndrome characterized by developmental delay, intellectual disability, dysmorphic facial features, behavior issues, hypotonia, seizures, non-specific abnormal brain MRI findings, musculoskeletal defects, short stature, and failure to thrive (PMID: 35679446). This CNV has not been reported in controls. Based on the available evidence, this CNV is classified as pathogenic.

Single allele

Genes: ANGPT4 (angiopoietin 4; minus strand), C20orf202 (chromosome 20 open reading frame 202; plus strand), C20orf96 (chromosome 20 open reading frame 96; minus strand), CSNK2A1 (casein kinase 2 alpha 1; minus strand), DEFB125 (defensin beta 125; plus strand) and 32 more. Cytogenetic location: 20p13.
Variant type: Deletion.
Identifiers: ClinVar variation 2671592 (VCV002671592.1).